The following is an entry in ClinVar:

NM_002203.4(ITGA2):c.1600G>A (p.Glu534Lys)

Gene: ITGA2 (integrin subunit alpha 2; plus strand). Cytogenetic location: 5q11.2.
Variant type: single nucleotide variant.
Coding change: c.1600G>A on transcript NM_002203.4 (MANE Select); coding-DNA position 1600, G replaced by A.
Protein change: p.Glu534Lys; replaces glutamic acid 534 with lysine.
Molecular consequence: missense variant. On other transcripts: non-coding transcript variant (5).
Genome position (GRCh38, 1-based): chr5:53,062,927, G>A. VCF-style: chr5-53062927-G-A. GRCh37 (hg19) VCF-style: chr5-52358757-G-A.
Other names: short protein forms E534K.
Identifiers: ClinVar variation 353753 (VCV000353753.8), dbSNP rs1801106, ClinGen allele CA3262933.

ClinVar aggregate classification (germline): Benign/Likely benign. Review status: criteria provided, multiple submitters, no conflicts (2 of 4 stars). 4 submissions from 4 submitters: Benign (3); Likely benign (1). Last evaluated 2024-11-26.

Conditions:
Platelet-type bleeding disorder 9 (BDPLT9). Also called: GLYCOPROTEIN Ia DEFICIENCY; GP Ia DEFICIENCY; COLLAGEN PLATELET RECEPTOR DEFICIENCY. Identifiers: Orphanet 73271, Orphanet 98886, MedGen C3280114, MONDO:0013622, OMIM 614200.

Allele frequency attached by ClinVar (database versions not stated): gnomAD exomes 0.08736; ExAC 0.08901; 1000 Genomes Project 30x 0.10415; 1000 Genomes Project 0.10423; gnomAD 0.11302; TOPMed 0.11700; ESP Exome Variant Server 0.12471.
gnomAD v4.1: 143,935 of 1,598,154 alleles (9%); highest among the groups gnomAD compares: African/African-American, 19%; 7,290 homozygotes.

Submissions (4):

Blueprint Genetics
Classification: Likely benign. Last evaluated: 2024-11-26. Review status: criteria provided, single submitter. Criteria: ACMG Guidelines, 2015. Collection method: clinical testing. Allele origin: germline.

GeneDx
Classification: Benign. Last evaluated: 2021-06-10. Review status: criteria provided, single submitter. Criteria: GeneDx Variant Classification Process June 2021. Collection method: clinical testing. Allele origin: germline. Affected: yes.
Comment: This variant is associated with the following publications: (PMID: 22133774, 7901236, 10744142)

Illumina Laboratory Services, Illumina
Classification: Benign for Platelet-type bleeding disorder 9. Last evaluated: 2018-03-06. Review status: criteria provided, single submitter. Criteria: ICSL Variant Classification Criteria 13 December 2019. Collection method: clinical testing. Allele origin: germline.
Comment: This variant was observed in the ICSL laboratory as part of a predisposition screen in an ostensibly healthy population. It had not been previously curated by ICSL or reported in the Human Gene Mutation Database (HGMD: prior to June 1st, 2018), and was therefore a candidate for classification through an automated scoring system. Utilizing variant allele frequency, disease prevalence and penetrance estimates, and inheritance mode, an automated score was calculated to assess if this variant is too frequent to cause the disease. Based on the score and internal cut-off values, a variant classified as benign is not then subjected to further curation. The score for this variant resulted in a classification of benign for this disease.

Breakthrough Genomics
Classification: Benign. Review status: criteria provided, single submitter. Criteria: ACMG Guidelines, 2015. Collection method: not provided. Allele origin: germline. Inheritance: Unknown mechanism. Affected: yes.